The following is an entry in ClinVar:

ClinVar aggregate classification (germline): Uncertain significance (1 of 4 stars; one submission).

Conditions:
Congenital myopathy with internal nuclei and atypical cores. Also called: Myopathy, centronuclear, 4. Identifiers: Orphanet 319160, MedGen C4707232, MONDO:0013890, OMIM 614807.

Submission:

Institute of Human Genetics, University of Leipzig Medical Center
Classification: Uncertain significance for Congenital myopathy with internal nuclei and atypical cores. Last evaluated: 2025-05-21. Review status: criteria provided, single submitter. Criteria: ACMG Guidelines, 2015. Collection method: clinical testing. Allele origin: unknown. Inheritance: Autosomal dominant inheritance. Affected: yes.
Comment: Criteria applied: PM2,PP3

NM_001378030.1(CCDC78):c.423C>G (p.Asp141Glu)

Gene: CCDC78 (coiled-coil domain containing 78; minus strand). Cytogenetic location: 16p13.3.
Variant type: single nucleotide variant.
Coding change: c.423C>G on transcript NM_001378030.1 (MANE Select); coding-DNA position 423, C replaced by G.
Protein change: p.Asp141Glu; replaces aspartic acid 141 with glutamic acid.
Molecular consequence: missense variant. On other transcripts: non-coding transcript variant (4), intron variant (1).
Genome position (GRCh38, 1-based): chr16:725,425, G>C on the plus strand (C>G on the coding strand, the complement: CCDC78 is on the minus strand). VCF-style: chr16-725425-G-C. GRCh37 (hg19) VCF-style: chr16-775425-G-C.
Other names: c.423C>G, p.Asp141Glu (NM_001031737.3, NM_001378031.1); c.-18-132C>G (NM_001378033.1); short protein forms D141E.
Identifiers: ClinVar variation 3901189 (VCV003901189.1).
Genomic context (GRCh38, chr16:725,425, plus strand): 5'-CTTCCCTCTGGCCTTTCCCAGCCAGGCTCTCCATATGCTCATGGTAACCTGGAATCTGTG[G>C]TCATCAGAGTGTCCAGGCACCTGGGCTTTGTGTCTGAGCTCTTGGGCTGCTGCCCGGGGA-3'
Protein context (NP_001364959.1, residues 131-151): HKAQVPGHSD[Asp141Glu]HRFQVQPKNT